The following is an entry in ClinVar:

ClinVar aggregate classification (germline): not provided (0 of 4 stars; one submission).

Submission:

ITMI
No classification provided. Condition: AllHighlyPenetrant. Last evaluated: 2013-09-19. Review status: no classification provided. Collection method: reference population. Allele origin: germline.
Comment: Please see associated publication for description of ethnicities

Literature cited by the submitters: PubMed 24728327.

NM_005089.4(ZRSR2):c.1307G>A (p.Gly436Asp)

Gene: ZRSR2 (zinc finger CCCH-type, RNA binding motif and serine/arginine rich 2; plus strand). Cytogenetic location: Xp22.2.
Variant type: single nucleotide variant.
Coding change: c.1307G>A on transcript NM_005089.4 (MANE Select); coding-DNA position 1307, G replaced by A.
Protein change: p.Gly436Asp; replaces glycine 436 with aspartic acid.
Molecular consequence: missense variant.
Genome position (GRCh38, 1-based): chrX:15,823,100, G>A. VCF-style: chrX-15823100-G-A. GRCh37 (hg19) VCF-style: chrX-15841223-G-A.
Other names: short protein forms G436D.
Identifiers: ClinVar variation 135495 (VCV000135495.1), dbSNP rs587778766, ClinGen allele CA162944.